The following is an entry in ClinVar:

NM_025000.4(DCAF17):c.1502A>T (p.Tyr501Phe)

Gene: DCAF17 (DDB1 and CUL4 associated factor 17; plus strand). Cytogenetic location: 2q31.1.
Variant type: single nucleotide variant.
Coding change: c.1502A>T on transcript NM_025000.4 (MANE Select); coding-DNA position 1502, A replaced by T.
Protein change: p.Tyr501Phe; replaces tyrosine 501 with phenylalanine.
Molecular consequence: missense variant. On other transcripts: non-coding transcript variant (1).
Genome position (GRCh38, 1-based): chr2:171,481,053, A>T. VCF-style: chr2-171481053-A-T. GRCh37 (hg19) VCF-style: chr2-172337563-A-T.
Other names: c.1301A>T, p.Tyr434Phe (NM_001164821.2); short protein forms Y434F, Y501F.
Identifiers: ClinVar variation 1466722 (VCV001466722.7), dbSNP rs192590459, ClinGen allele CA349279955.

ClinVar aggregate classification (germline): Uncertain significance (1 of 4 stars; one submission).

Conditions:
Woodhouse-Sakati syndrome. Also called: Hypogonadism, Alopecia, Diabetes Mellitus, Mental Retardation, and Extrapyramidal Syndrome; Hypogonadism, diabetes mellitus, alopecia, mental retardation and electrocardiographic abnormalities; EXTRAPYRAMIDAL DISORDER, PROGRESSIVE, WITH PRIMARY HYPOGONADISM, MENTAL RETARDATION, AND ALOPECIA. Identifiers: Orphanet 3464, MedGen C0342286, MONDO:0009419, OMIM 241080.

Allele frequency attached by ClinVar (database versions not stated): 1000 Genomes Project 30x 0.00016.
gnomAD v4.1: 2 of 1,613,818 alleles (0.00012%); highest among the groups gnomAD compares: South Asian, 0.0011%; no homozygotes.

Submission:

Labcorp Genetics (formerly Invitae), Labcorp
Classification: Uncertain significance for Woodhouse-Sakati syndrome. Last evaluated: 2024-01-08. Review status: criteria provided, single submitter. Criteria: Invitae Variant Classification Sherloc (09022015). Collection method: clinical testing. Allele origin: germline.
Comment: This sequence change replaces tyrosine, which is neutral and polar, with phenylalanine, which is neutral and non-polar, at codon 501 of the DCAF17 protein (p.Tyr501Phe). This variant is not present in population databases (gnomAD no frequency). This variant has not been reported in the literature in individuals affected with DCAF17-related conditions. ClinVar contains an entry for this variant (Variation ID: 1466722). Advanced modeling of protein sequence and biophysical properties (such as structural, functional, and spatial information, amino acid conservation, physicochemical variation, residue mobility, and thermodynamic stability) performed at Invitae indicates that this missense variant is not expected to disrupt DCAF17 protein function with a negative predictive value of 80%. In summary, the available evidence is currently insufficient to determine the role of this variant in disease. Therefore, it has been classified as a Variant of Uncertain Significance.